The following is an entry in ClinVar:

ClinVar aggregate classification (germline): Uncertain significance (1 of 4 stars; one submission).

Allele frequency attached by ClinVar (database versions not stated): gnomAD 0.00001; gnomAD exomes 0.00001; ExAC 0.00003.

Submission:

Labcorp Genetics (formerly Invitae), Labcorp
Classification: Uncertain significance. Last evaluated: 2022-06-07. Review status: criteria provided, single submitter. Criteria: Invitae Variant Classification Sherloc (09022015). Collection method: clinical testing. Allele origin: germline.
Comment: This sequence change replaces lysine, which is basic and polar, with asparagine, which is neutral and polar, at codon 1596 of the LRP2 protein (p.Lys1596Asn). This variant is present in population databases (rs755272297, gnomAD 0.01%). This variant has not been reported in the literature in individuals affected with LRP2-related conditions. Advanced modeling of protein sequence and biophysical properties (such as structural, functional, and spatial information, amino acid conservation, physicochemical variation, residue mobility, and thermodynamic stability) performed at Invitae indicates that this missense variant is expected to disrupt LRP2 protein function. In summary, the available evidence is currently insufficient to determine the role of this variant in disease. Therefore, it has been classified as a Variant of Uncertain Significance.

NM_004525.3(LRP2):c.4788G>T (p.Lys1596Asn)

Gene: LRP2 (LDL receptor related protein 2; minus strand). Cytogenetic location: 2q31.1.
Variant type: single nucleotide variant.
Coding change: c.4788G>T on transcript NM_004525.3 (MANE Select); coding-DNA position 4788, G replaced by T.
Protein change: p.Lys1596Asn; replaces lysine 1596 with asparagine.
Molecular consequence: missense variant.
Genome position (GRCh38, 1-based): chr2:169,235,972, C>A on the plus strand (G>T on the coding strand, the complement: LRP2 is on the minus strand). VCF-style: chr2-169235972-C-A. GRCh37 (hg19) VCF-style: chr2-170092482-C-A.
Other names: short protein forms K1596N.
Identifiers: ClinVar variation 1999110 (VCV001999110.1), dbSNP rs755272297, ClinGen allele CA1954704.